The following is an entry in ClinVar:

ClinVar aggregate classification (germline): Uncertain significance (1 of 4 stars; one submission).

Submission:

Ambry Genetics
Classification: Uncertain significance. Last evaluated: 2021-08-15. Review status: criteria provided, single submitter. Criteria: Ambry Variant Classification Scheme 2023. Collection method: clinical testing. Allele origin: germline.
Comment: The p.I763M variant (also known as c.2289T>G), located in coding exon 13 of the NPAT gene, results from a T to G substitution at nucleotide position 2289. The isoleucine at codon 763 is replaced by methionine, an amino acid with highly similar properties. This amino acid position is conserved. In addition, the in silico prediction for this alteration is inconclusive. Since supporting evidence is limited at this time, the clinical significance of this alteration remains unclear.

NM_002519.3(NPAT):c.2289T>G (p.Ile763Met)

Gene: NPAT (nuclear protein, coactivator of histone transcription; minus strand). Cytogenetic location: 11q22.3.
Variant type: single nucleotide variant.
Coding change: c.2289T>G on transcript NM_002519.3 (MANE Select); coding-DNA position 2289, T replaced by G.
Protein change: p.Ile763Met; replaces isoleucine 763 with methionine.
Molecular consequence: missense variant.
Genome position (GRCh38, 1-based): chr11:108,172,695, A>C on the plus strand (T>G on the coding strand, the complement: NPAT is on the minus strand). VCF-style: chr11-108172695-A-C. GRCh37 (hg19) VCF-style: chr11-108043422-A-C.
Other names: c.2289T>G, p.Ile763Met (NM_001321307.1); short protein forms I763M.
Identifiers: ClinVar variation 1789062 (VCV001789062.2), dbSNP rs2496717815, ClinGen allele CA382513291.